The following is an entry in ClinVar:

NM_003126.4(SPTA1):c.5432+5G>A

Gene: SPTA1 (spectrin alpha, erythrocytic 1; minus strand). Cytogenetic location: 1q23.1.
Variant type: single nucleotide variant.
Coding change: c.5432+5G>A on transcript NM_003126.4 (MANE Select); 5 bases into the intron after coding-DNA position 5432, G replaced by A.
Molecular consequence: intron variant.
Genome position (GRCh38, 1-based): chr1:158,635,908, C>T on the plus strand (G>A on the coding strand, the complement: SPTA1 is on the minus strand). VCF-style: chr1-158635908-C-T. GRCh37 (hg19) VCF-style: chr1-158605698-C-T.
Identifiers: ClinVar variation 3696917 (VCV003696917.2).
Genomic context (GRCh38, chr1:158,635,908, plus strand): 5'-CCTCCCAACACCTGCCCAATATCCAAAATCCAGGAAGGGAACTGGGCCTTCTGTATCCCA[C>T]TCACCGGGCCTTGGCCAACTCTTTGAGCTTCTCCCAGTGTTCAACAAACTGAGCCAGCCG-3'

ClinVar aggregate classification (germline): Uncertain significance (1 of 4 stars; one submission).

Submission:

Labcorp Genetics (formerly Invitae), Labcorp
Classification: Uncertain significance. Last evaluated: 2024-07-06. Review status: criteria provided, single submitter. Criteria: Invitae Variant Classification Sherloc (09022015). Collection method: clinical testing. Allele origin: germline.
Comment: This sequence change falls in intron 38 of the SPTA1 gene. It does not directly change the encoded amino acid sequence of the SPTA1 protein. It affects a nucleotide within the consensus splice site. This variant is not present in population databases (gnomAD no frequency). This variant has not been reported in the literature in individuals affected with SPTA1-related conditions. Variants that disrupt the consensus splice site are a relatively common cause of aberrant splicing (PMID: 17576681, 9536098). Algorithms developed to predict the effect of sequence changes on RNA splicing suggest that this variant may disrupt the consensus splice site. In summary, the available evidence is currently insufficient to determine the role of this variant in disease. Therefore, it has been classified as a Variant of Uncertain Significance.

Literature cited by the submitters: PubMed 17576681; PubMed 9536098.